The following is an entry in ClinVar:

NM_000548.5(TSC2):c.5065A>G (p.Lys1689Glu)

Gene: TSC2 (TSC complex subunit 2; plus strand). Cytogenetic location: 16p13.3.
Variant type: single nucleotide variant.
Coding change: c.5065A>G on transcript NM_000548.5 (MANE Select); coding-DNA position 5065, A replaced by G.
Protein change: p.Lys1689Glu; replaces lysine 1689 with glutamic acid.
Molecular consequence: missense variant.
Genome position (GRCh38, 1-based): chr16:2,087,938, A>G. VCF-style: chr16-2087938-A-G. GRCh37 (hg19) VCF-style: chr16-2137939-A-G.
Other names: c.4864A>G, p.Lys1622Glu (NM_001077183.3); c.4996A>G, p.Lys1666Glu (NM_001114382.3); c.4756A>G, p.Lys1586Glu (NM_001318827.2); c.4720A>G, p.Lys1574Glu (NM_001318829.2); c.4333A>G, p.Lys1445Glu (NM_001318831.2); c.4897A>G, p.Lys1633Glu (NM_001318832.2); c.4867A>G, p.Lys1623Glu (NM_001363528.2); c.4933A>G, p.Lys1645Glu (NM_001370404.1); and 1 more; short protein forms K1689E, K1586E, K1646E, K1574E, K1666E, K1445E, K1623E, K1633E.
Identifiers: ClinVar variation 49441 (VCV000049441.15), dbSNP rs137854315, ClinGen allele CA021601.

ClinVar aggregate classification (germline): Conflicting classifications of pathogenicity. Review status: criteria provided, conflicting classifications (1 of 4 stars). 4 submissions from 4 submitters: Uncertain significance (2); Benign (1). 1 of the submissions does not count toward it. Last evaluated 2025-07-17.

Conditions:
Tuberous sclerosis 2 (TSC2). Identifiers: Orphanet 805, MedGen C1860707, MONDO:0013199, OMIM 613254.
Tuberous sclerosis syndrome (TSC). Also called: Tuberous Sclerosis Complex; Tuberous sclerosis. Identifiers: Orphanet 805, MedGen C0041341, MONDO:0001734.
Hereditary cancer-predisposing syndrome. Also called: Neoplastic Syndromes, Hereditary; Tumor predisposition; Hereditary Cancer Syndrome; Hereditary neoplastic syndrome. Identifiers: Orphanet 140162, MedGen C0027672, MeSH D009386, MONDO:0015356.

Allele frequency attached by ClinVar (database versions not stated): gnomAD 0.00001; gnomAD exomes 0.00001 and 0.00002; TOPMed 0.00001; ExAC 0.00002.
gnomAD v4.1: 34 of 1,604,996 alleles (0.0021%); highest among the groups gnomAD compares: Non-Finnish European, 0.0028%; no homozygotes.

Submissions (4):

Labcorp Genetics (formerly Invitae), Labcorp
Classification: Benign for Tuberous sclerosis 2. Last evaluated: 2025-07-17. Review status: criteria provided, single submitter. Criteria: Invitae Variant Classification Sherloc (09022015). Collection method: clinical testing. Allele origin: germline.

Ambry Genetics
Classification: Uncertain significance for Hereditary cancer-predisposing syndrome. Last evaluated: 2025-06-23. Review status: criteria provided, single submitter. Criteria: Ambry Variant Classification Scheme 2023. Collection method: clinical testing. Allele origin: germline.
Comment: The p.K1689E variant (also known as c.5065A>G), located in coding exon 38 of the TSC2 gene, results from an A to G substitution at nucleotide position 5065. The lysine at codon 1689 is replaced by glutamic acid, an amino acid with similar properties. This amino acid position is well conserved in available vertebrate species. In addition, this alteration is predicted to be deleterious by in silico analysis. Based on the available evidence, the clinical significance of this variant remains unclear.

Quest Diagnostics Nichols Institute San Juan Capistrano
Classification: Uncertain significance. Last evaluated: 2023-10-26. Review status: criteria provided, single submitter. Criteria: Quest Diagnostics criteria. Collection method: clinical testing. Allele origin: unknown.

Tuberous sclerosis database (TSC2)
No classification provided. Condition: TSC. Review status: no classification provided. Criteria: Tuberous Sclerosis Database Assertion Criteria 2015. Collection method: curation. Allele origin: germline. Affected: yes. Not counted in ClinVar's aggregate classification.